The following is an entry in ClinVar:

ClinVar aggregate classification (germline): Uncertain significance (0 of 4 stars; one submission).

Conditions:
NRP2-related disorder. Also called: NRP2-related condition.

gnomAD v4.1: 1 of 1,614,040 alleles (0.000062%); highest among the groups gnomAD compares: African/African-American, 0.0013%; no homozygotes.

Submission:

PreventionGenetics, part of Exact Sciences
Classification: Uncertain significance for NRP2-related condition. Last evaluated: 2024-09-10. Review status: no assertion criteria provided. Collection method: clinical testing. Allele origin: germline.
Comment: The NRP2 c.2530A>G variant is predicted to result in the amino acid substitution p.Thr844Ala. To our knowledge, this variant has not been reported in the literature. This variant is reported in 0.011% of alleles in individuals of African descent in gnomAD. At this time, the clinical significance of this variant is uncertain due to the absence of conclusive functional and genetic evidence.

NM_003872.3(NRP2):c.2515A>G (p.Thr839Ala)

Gene: NRP2 (neuropilin 2; plus strand). Cytogenetic location: 2q33.3.
Variant type: single nucleotide variant.
Coding change: c.2515A>G on transcript NM_003872.3 (MANE Select); coding-DNA position 2515, A replaced by G.
Protein change: p.Thr839Ala; replaces threonine 839 with alanine.
Molecular consequence: missense variant.
Genome position (GRCh38, 1-based): chr2:205,794,792, A>G. VCF-style: chr2-205794792-A-G. GRCh37 (hg19) VCF-style: chr2-206659516-A-G.
Other names: c.2530A>G, p.Thr844Ala (NM_201266.2); c.2464A>G, p.Thr822Ala (NM_201279.2); short protein forms T822A, T839A, T844A.
Identifiers: ClinVar variation 3358168 (VCV003358168.1).